The following is an entry in ClinVar:

ClinVar aggregate classification (germline): Uncertain significance (1 of 4 stars; one submission).

Allele frequency attached by ClinVar (database versions not stated): gnomAD exomes below 0.00001 and 0.00001; ExAC 0.00001; gnomAD 0.00001; TOPMed 0.00001.

Submission:

GeneDx
Classification: Uncertain significance. Last evaluated: 2021-05-03. Review status: criteria provided, single submitter. Criteria: GeneDx Variant Classification Process June 2021. Collection method: clinical testing. Allele origin: germline. Affected: yes.
Comment: In silico analysis supports that this missense variant has a deleterious effect on protein structure/function; This variant is associated with the following publications: (PMID: 31055809, 26920903)

NM_021830.5(TWNK):c.1181G>A (p.Arg394His)

Gene: TWNK (twinkle mtDNA helicase; plus strand). Cytogenetic location: 10q24.31.
Variant type: single nucleotide variant.
Coding change: c.1181G>A on transcript NM_021830.5 (MANE Select); coding-DNA position 1181, G replaced by A.
Protein change: p.Arg394His; replaces arginine 394 with histidine.
Molecular consequence: missense variant. On other transcripts: non-coding transcript variant (4), intron variant (3).
Genome position (GRCh38, 1-based): chr10:100,989,391, G>A. VCF-style: chr10-100989391-G-A. GRCh37 (hg19) VCF-style: chr10-102749148-G-A.
Other names: c.1181G>A, p.Arg394His (NM_001163812.2); c.-119-253G>A (NM_001163814.2, NM_001163813.2); c.-57-315G>A (NM_001368275.1); short protein forms R394H.
Identifiers: ClinVar variation 1320817 (VCV001320817.2), dbSNP rs752211501, ClinGen allele CA5653172.
Genomic context (GRCh38, chr10:100,989,391, plus strand): 5'-GGGAGGAGGTGCTAGGAGAACTGTCAAATGTGGAGCAAGCAGCTGGCCTCCGCTGGAGCC[G>A]CTTTCCAGACCTCAATCGTATCTTGAAGGGACATCGAAAGGGCGAGCTGACGGTCTTCAC-3'
Protein context (NP_068602.2, residues 384-404): VEQAAGLRWS[Arg394His]FPDLNRILKG